The following is an entry in ClinVar:

NM_005633.4(SOS1):c.3962G>C (p.Arg1321Thr)

Gene: SOS1 (SOS Ras/Rac guanine nucleotide exchange factor 1; minus strand). Cytogenetic location: 2p22.1.
Variant type: single nucleotide variant.
Coding change: c.3962G>C on transcript NM_005633.4 (MANE Select); coding-DNA position 3962, G replaced by C.
Protein change: p.Arg1321Thr; replaces arginine 1321 with threonine.
Molecular consequence: missense variant.
Genome position (GRCh38, 1-based): chr2:38,985,864, C>G on the plus strand (G>C on the coding strand, the complement: SOS1 is on the minus strand). VCF-style: chr2-38985864-C-G. GRCh37 (hg19) VCF-style: chr2-39213005-C-G.
Other names: c.3941G>C, p.Arg1314Thr (NM_001382394.1); c.3917G>C, p.Arg1306Thr (NM_001382395.1); short protein forms R1306T, R1314T, R1321T.
Identifiers: ClinVar variation 934546 (VCV000934546.10), dbSNP rs1054147959, ClinGen allele CA45673806.

ClinVar aggregate classification (germline): Uncertain significance. Review status: criteria provided, multiple submitters, no conflicts (2 of 4 stars). 2 submissions from 2 submitters: Uncertain significance (2). Last evaluated 2025-04-21.

Conditions:
Cardiovascular phenotype. Identifiers: MedGen CN230736.
RASopathy. Also called: rasopathies; Noonan spectrum disorder. Identifiers: Orphanet 536391, MedGen C5555857, MONDO:0021060.

Allele frequency attached by ClinVar (database versions not stated): gnomAD exomes below 0.00001; TOPMed below 0.00001.
gnomAD v4.1: 2 of 1,613,808 alleles (0.00012%); highest among the groups gnomAD compares: Non-Finnish European, 0.00017%; no homozygotes.

Submissions (2):

Labcorp Genetics (formerly Invitae), Labcorp
Classification: Uncertain significance for RASopathy. Last evaluated: 2025-04-21. Review status: criteria provided, single submitter. Criteria: Invitae Variant Classification Sherloc (09022015). Collection method: clinical testing. Allele origin: germline.
Comment: This sequence change replaces arginine, which is basic and polar, with threonine, which is neutral and polar, at codon 1321 of the SOS1 protein (p.Arg1321Thr). This variant is not present in population databases (gnomAD no frequency). This variant has not been reported in the literature in individuals affected with SOS1-related conditions. ClinVar contains an entry for this variant (Variation ID: 934546). Invitae Evidence Modeling of protein sequence and biophysical properties (such as structural, functional, and spatial information, amino acid conservation, physicochemical variation, residue mobility, and thermodynamic stability) indicates that this missense variant is not expected to disrupt SOS1 protein function with a negative predictive value of 95%. In summary, the available evidence is currently insufficient to determine the role of this variant in disease. Therefore, it has been classified as a Variant of Uncertain Significance.

Ambry Genetics
Classification: Uncertain significance for Cardiovascular phenotype. Last evaluated: 2021-12-07. Review status: criteria provided, single submitter. Criteria: Ambry Variant Classification Scheme 2023. Collection method: clinical testing. Allele origin: germline.